The following is an entry in ClinVar:

NM_001382391.1(CSPP1):c.1034A>G (p.Asn345Ser)

Gene: CSPP1 (centrosome and spindle pole associated protein 1; plus strand). Cytogenetic location: 8q13.2.
Variant type: single nucleotide variant.
Coding change: c.1034A>G on transcript NM_001382391.1 (MANE Select); coding-DNA position 1034, A replaced by G.
Protein change: p.Asn345Ser; replaces asparagine 345 with serine.
Molecular consequence: missense variant.
Genome position (GRCh38, 1-based): chr8:67,105,916, A>G. VCF-style: chr8-67105916-A-G. GRCh37 (hg19) VCF-style: chr8-68018151-A-G.
Other names: c.179A>G, p.Asn60Ser (NM_001291339.2); c.953A>G, p.Asn318Ser (NM_001363131.2, NM_001363133.2); c.1034A>G, p.Asn345Ser (NM_001363132.2); c.1142A>G, p.Asn381Ser (NM_001364869.1); c.962A>G, p.Asn321Ser (NM_001364870.1); c.1061A>G, p.Asn354Ser (NM_024790.7); short protein forms N318S, N321S, N345S, N354S, N381S, N60S.
Identifiers: ClinVar variation 1014662 (VCV001014662.6), dbSNP rs1372095738, ClinGen allele CA371194437.

ClinVar aggregate classification (germline): Uncertain significance (1 of 4 stars; one submission).

Conditions:
Joubert syndrome 21 (JBTS21). Identifiers: MedGen C3810212, MONDO:0014288, OMIM 615636.

Allele frequency attached by ClinVar (database versions not stated): gnomAD 0.00003 and 0.00004; gnomAD exomes 0.00001; TOPMed 0.00002.
gnomAD v4.1: 19 of 1,575,528 alleles (0.0012%); highest among the groups gnomAD compares: Admixed American, 0.02%; no homozygotes.

Submission:

Labcorp Genetics (formerly Invitae), Labcorp
Classification: Uncertain significance for Joubert syndrome 21. Last evaluated: 2023-12-21. Review status: criteria provided, single submitter. Criteria: Invitae Variant Classification Sherloc (09022015). Collection method: clinical testing. Allele origin: germline.
Comment: This sequence change replaces asparagine, which is neutral and polar, with serine, which is neutral and polar, at codon 354 of the CSPP1 protein (p.Asn354Ser). This variant is present in population databases (no rsID available, gnomAD 0.009%). This variant has not been reported in the literature in individuals affected with CSPP1-related conditions. ClinVar contains an entry for this variant (Variation ID: 1014662). Algorithms developed to predict the effect of missense changes on protein structure and function output the following: SIFT: "Not Available"; PolyPhen-2: "Benign"; Align-GVGD: "Not Available". The serine amino acid residue is found in multiple mammalian species, which suggests that this missense change does not adversely affect protein function. In summary, the available evidence is currently insufficient to determine the role of this variant in disease. Therefore, it has been classified as a Variant of Uncertain Significance.